The following is an entry in ClinVar:

ClinVar aggregate classification (germline): Likely benign. Review status: criteria provided, multiple submitters, no conflicts (2 of 4 stars). 2 submissions from 2 submitters: Likely benign (2). Last evaluated 2024-10-12.

Conditions:
Developmental and epileptic encephalopathy, 42 (DEE42A). Also called: DEVELOPMENTAL AND EPILEPTIC ENCEPHALOPATHY 42A; EPILEPTIC ENCEPHALOPATHY, EARLY INFANTILE, 42A; Epileptic encephalopathy, early infantile, 42. Identifiers: MedGen C4310716, MONDO:0014917, OMIM 617106.
Episodic ataxia type 2 (EA2). Also called: ACETAZOLAMIDE-RESPONSIVE HEREDITARY PAROXYSMAL CEREBELLAR ATAXIA; ATAXIA, EPISODIC, WITH NYSTAGMUS; ATAXIA, FAMILIAL PAROXYSMAL; CEREBELLAR ATAXIA, PAROXYSMAL, ACETAZOLAMIDE-RESPONSIVE; CEREBELLOPATHY, HEREDITARY PAROXYSMAL; EPISODIC ATAXIA, NYSTAGMUS-ASSOCIATED. Identifiers: Orphanet 97, MedGen C1720416, MONDO:0007163, OMIM 108500.

Allele frequency attached by ClinVar (database versions not stated): gnomAD 0.00002; TOPMed 0.00002.
gnomAD v4.1: 8 of 1,508,916 alleles (0.00053%); highest among the groups gnomAD compares: African/African-American, 0.0029%; no homozygotes.

Submissions (2):

Labcorp Genetics (formerly Invitae), Labcorp
Classification: Likely benign for Developmental and epileptic encephalopathy, 42; Episodic ataxia type 2. Last evaluated: 2024-10-12. Review status: criteria provided, single submitter. Criteria: Invitae Variant Classification Sherloc (09022015). Collection method: clinical testing. Allele origin: germline.

GeneDx
Classification: Likely benign. Last evaluated: 2017-09-29. Review status: criteria provided, single submitter. Criteria: GeneDx Variant Classification (06012015). Collection method: clinical testing. Allele origin: germline. Affected: yes.
Comment: This variant is considered likely benign or benign based on one or more of the following criteria: it is a conservative change, it occurs at a poorly conserved position in the protein, it is predicted to be benign by multiple in silico algorithms, and/or has population frequency not consistent with disease.

NM_001127222.2(CACNA1A):c.2889G>A (p.Arg963=)

Gene: CACNA1A (calcium voltage-gated channel subunit alpha1 A; minus strand). Cytogenetic location: 19p13.13.
Variant type: single nucleotide variant.
Coding change: c.2889G>A on transcript NM_001127222.2 (MANE Select); coding-DNA position 2889, G replaced by A.
Protein change: p.Arg963=; no amino-acid change (arginine 963 retained).
Molecular consequence: synonymous variant.
Genome position (GRCh38, 1-based): chr19:13,298,744, C>T on the plus strand (G>A on the coding strand, the complement: CACNA1A is on the minus strand). VCF-style: chr19-13298744-C-T. GRCh37 (hg19) VCF-style: chr19-13409558-C-T.
Other names: c.2901G>A, p.Arg967= (NM_000068.4, NM_023035.3); c.2892G>A, p.Arg964= (NM_001127221.2, NM_001174080.2).
Identifiers: ClinVar variation 476243 (VCV000476243.10), dbSNP rs1390620211, ClinGen allele CA505784786.
Genomic context (GRCh38, chr19:13,298,744, plus strand): 5'-GCTGCCCTCGCGGTGCCGCGCCCTCCGCTCCGCCTTGTCCTCCGGACCCTCCTCCCCGGG[C>T]CTGCGGTGCGCGCGATGACGTCGATGCTCCCCGTCCGCGCCCGTGCGCGGGGACCCGCTG-3'
Protein context (NP_001120694.1, residues 953-973): GEHRRHRAHR[Arg963=]PGEEGPEDKA